The following is an entry in ClinVar:

ClinVar aggregate classification (germline): Pathogenic (0 of 4 stars; one submission).

Submission:

GenMed Metabolism Lab
Classification: Pathogenic. Review status: no assertion criteria provided. Collection method: not provided. Allele origin: unknown.
Comment: p.Ser207Asn, Neonatal
ClinVar note: Converted during submission from pathogenic to Pathogenic.

NM_000531.6(OTC):c.620G>A (p.Ser207Asn)

Gene: OTC (ornithine transcarbamylase; plus strand). Cytogenetic location: Xp11.4.
Variant type: single nucleotide variant.
Coding change: c.620G>A on transcript NM_000531.6 (MANE Select); coding-DNA position 620, G replaced by A.
Protein change: p.Ser207Asn; replaces serine 207 with asparagine.
Molecular consequence: missense variant.
Genome position (GRCh38, 1-based): chrX:38,403,697, G>A. VCF-style: chrX-38403697-G-A. GRCh37 (hg19) VCF-style: chrX-38262950-G-A.
Other names: short protein forms S207N.
Identifiers: ClinVar variation 97272 (VCV000097272.2), dbSNP rs72558414, ClinGen allele CA224713.
Genomic context (GRCh38, chrX:38,403,697, plus strand): 5'-AAGGTCTTACCCTCAGCTGGATCGGGGATGGGAACAATATCCTGCACTCCATCATGATGA[G>A]CGCAGCGAAATTCGGAATGCACCTTCAGGCAGCTACTCCAAAGGTAGGGAAACTTTTTGC-3'
Protein context (NP_000522.3, residues 197-217): GNNILHSIMM[Ser207Asn]AAKFGMHLQA